The following is an entry in ClinVar:

NM_024120.5(NDUFAF5):c.800C>G (p.Ala267Gly)

Gene: NDUFAF5 (NADH:ubiquinone oxidoreductase complex assembly factor 5; plus strand). Cytogenetic location: 20p12.1.
Variant type: single nucleotide variant.
Coding change: c.800C>G on transcript NM_024120.5 (MANE Select); coding-DNA position 800, C replaced by G.
Protein change: p.Ala267Gly; replaces alanine 267 with glycine.
Molecular consequence: missense variant. On other transcripts: non-coding transcript variant (7).
Genome position (GRCh38, 1-based): chr20:13,816,484, C>G. VCF-style: chr20-13816484-C-G. GRCh37 (hg19) VCF-style: chr20-13797130-C-G.
Other names: c.716C>G, p.Ala239Gly (NM_001039375.3); c.329C>G, p.Ala110Gly (NM_001352403.2); c.239C>G, p.Ala80Gly (NM_001352406.2, NM_001352407.2); c.800C>G (NM_024120.4); short protein forms A110G, A267G, A80G, A239G.
Identifiers: ClinVar variation 2184467 (VCV002184467.5), dbSNP rs1009255448, ClinGen allele CA311399450.

ClinVar aggregate classification (germline): Uncertain significance. Review status: criteria provided, multiple submitters, no conflicts (2 of 4 stars). 2 submissions from 2 submitters: Uncertain significance (2). Last evaluated 2025-06-09.

Conditions:
Inborn genetic diseases. Identifiers: MedGen C0950123, MeSH D030342.

Submissions (2):

Ambry Genetics
Classification: Uncertain significance for Inborn genetic diseases. Last evaluated: 2025-06-09. Review status: criteria provided, single submitter. Criteria: Ambry Variant Classification Scheme 2023. Collection method: clinical testing. Allele origin: germline.

Labcorp Genetics (formerly Invitae), Labcorp
Classification: Uncertain significance. Last evaluated: 2022-11-01. Review status: criteria provided, single submitter. Criteria: Invitae Variant Classification Sherloc (09022015). Collection method: clinical testing. Allele origin: germline.
Comment: This variant has not been reported in the literature in individuals affected with NDUFAF5-related conditions. In summary, the available evidence is currently insufficient to determine the role of this variant in disease. Therefore, it has been classified as a Variant of Uncertain Significance. Advanced modeling of protein sequence and biophysical properties (such as structural, functional, and spatial information, amino acid conservation, physicochemical variation, residue mobility, and thermodynamic stability) has been performed at Invitae for this missense variant, however the output from this modeling did not meet the statistical confidence thresholds required to predict the impact of this variant on NDUFAF5 protein function. This variant is not present in population databases (gnomAD no frequency). This sequence change replaces alanine, which is neutral and non-polar, with glycine, which is neutral and non-polar, at codon 267 of the NDUFAF5 protein (p.Ala267Gly).